The following is an entry in ClinVar:

ClinVar aggregate classification (germline): Pathogenic/Likely pathogenic. Review status: criteria provided, multiple submitters, no conflicts (2 of 4 stars). 4 submissions from 4 submitters: Pathogenic (2); Likely pathogenic (2). Last evaluated 2024-02-27.

Conditions:
ALPK3-related disorder. Also called: ALPK3-related condition.
Cardiovascular phenotype. Identifiers: MedGen CN230736.
Cardiomyopathy, familial hypertrophic 27. Identifiers: MedGen C4748014, MONDO:0054838, OMIM 618052.

Submissions (4):

Blueprint Genetics
Classification: Likely pathogenic for ALPK3-related disorders. Last evaluated: 2024-02-27. Review status: criteria provided, single submitter. Criteria: ACMG Guidelines, 2015. Collection method: clinical testing. Allele origin: germline. Affected: yes. Observed: 1 variant allele.

Labcorp Genetics (formerly Invitae), Labcorp
Classification: Pathogenic. Last evaluated: 2022-12-23. Review status: criteria provided, single submitter. Criteria: Invitae Variant Classification Sherloc (09022015). Collection method: clinical testing. Allele origin: germline.
Comment: This sequence change creates a premature translational stop signal (p.Thr414Leufs*16) in the ALPK3 gene. It is expected to result in an absent or disrupted protein product. Loss-of-function variants in ALPK3 are known to be pathogenic (PMID: 21441111, 26846950, 27106955, 34263907). For these reasons, this variant has been classified as Pathogenic. ClinVar contains an entry for this variant (Variation ID: 1455205). This variant has not been reported in the literature in individuals affected with ALPK3-related conditions. This variant is not present in population databases (gnomAD no frequency).

Ambry Genetics
Classification: Pathogenic for Cardiovascular phenotype. Last evaluated: 2022-10-05. Review status: criteria provided, single submitter. Criteria: Ambry Variant Classification Scheme 2023. Collection method: clinical testing. Allele origin: germline.
Comment: The c.1240delA pathogenic mutation, located in coding exon 5 of the ALPK3 gene, results from a deletion of one nucleotide at nucleotide position 1240, causing a translational frameshift with a predicted alternate stop codon (p.T414Lfs*16). This variant is considered to be rare based on population cohorts in the Genome Aggregation Database (gnomAD). This alteration is expected to result in loss of function by premature protein truncation or nonsense-mediated mRNA decay. As such, this alteration is interpreted as a disease-causing mutation.

Juno Genomics, Hangzhou Juno Genomics, Inc
Classification: Likely pathogenic for Cardiomyopathy, familial hypertrophic 27. Review status: criteria provided, single submitter. Criteria: ACMG Guidelines, 2015. Collection method: clinical testing. Allele origin: germline.
Comment: Null variant in a gene where loss of function (LOF) is a known mechanism of disease.;Absent from controls (or at extremely low frequency if recessive) in Genome Aggregation Database.

Literature cited by the submitters: PubMed 21441111 (cited by Labcorp Genetics (formerly Invitae), Labcorp); PubMed 26846950 (cited by Labcorp Genetics (formerly Invitae), Labcorp); PubMed 27106955 (cited by Labcorp Genetics (formerly Invitae), Labcorp); PubMed 34263907 (cited by Labcorp Genetics (formerly Invitae), Labcorp).

NM_020778.5(ALPK3):c.634del (p.Thr212fs)

Gene: ALPK3 (alpha kinase 3; plus strand). Cytogenetic location: 15q25.3.
Variant type: Deletion.
Coding change: c.634del on transcript NM_020778.5 (MANE Select); coding-DNA position 634, one base deleted (A; older notation c.634delA).
Protein change: p.Thr212fs; shifts the reading frame from threonine 212.
Molecular consequence: frameshift variant.
Genome position (GRCh38, 1-based): chr15:84,839,913, A deleted. VCF-style (leftmost placement, unchanged base first): chr15-84839912-CA-C. GRCh37 (hg19) VCF-style: chr15-85383143-CA-C.
Other names: short protein forms T212fs.
Identifiers: ClinVar variation 1455205 (VCV001455205.11), dbSNP rs2141556375, ClinGen allele CA2573151293.